The following is an entry in ClinVar:

ClinVar aggregate classification (germline): Conflicting classifications of pathogenicity. Review status: criteria provided, conflicting classifications (1 of 4 stars). 7 submissions from 7 submitters: Uncertain significance (6); Benign (1). Last evaluated 2026-05-26.

Conditions:
Hereditary cancer-predisposing syndrome. Also called: Hereditary Cancer Syndrome; Tumor predisposition; Hereditary neoplastic syndrome; Neoplastic Syndromes, Hereditary. Identifiers: Orphanet 140162, MedGen C0027672, MeSH D009386, MONDO:0015356.
Hereditary diffuse gastric adenocarcinoma (HDGC). Also called: DIFFUSE GASTRIC AND LOBULAR BREAST CANCER SYNDROME. Identifiers: Orphanet 26106, MedGen C1708349, MONDO:0007648, OMIM 137215.

gnomAD v4.1: 2 of 1,613,932 alleles (0.00012%); highest among the groups gnomAD compares: Non-Finnish European, 0.00017%; no homozygotes.

Submissions (7):

Ambry Genetics
Classification: Benign for Hereditary cancer-predisposing syndrome. Last evaluated: 2026-05-26. Review status: criteria provided, single submitter. Criteria: Ambry Variant Classification Scheme 2023. Collection method: clinical testing. Allele origin: germline.

Labcorp Genetics (formerly Invitae), Labcorp
Classification: Uncertain significance for Hereditary diffuse gastric adenocarcinoma. Last evaluated: 2025-10-14. Review status: criteria provided, single submitter. Criteria: Invitae Variant Classification Sherloc (09022015). Collection method: clinical testing. Allele origin: germline.
Comment: This sequence change replaces glutamic acid, which is acidic and polar, with glutamine, which is neutral and polar, at codon 702 of the CDH1 protein (p.Glu702Gln). This variant is present in population databases (no rsID available, gnomAD 0.0009%). This variant has not been reported in the literature in individuals affected with CDH1-related conditions. ClinVar contains an entry for this variant (Variation ID: 423256). An algorithm developed to predict the effect of missense changes on protein structure and function outputs the following: PolyPhen-2: "Benign". The glutamine amino acid residue is found in multiple mammalian species, which suggests that this missense change does not adversely affect protein function. In summary, the available evidence is currently insufficient to determine the role of this variant in disease. Therefore, it has been classified as a Variant of Uncertain Significance.

Department of Human Genetics, Hannover Medical School
Classification: Uncertain significance for Hereditary diffuse gastric adenocarcinoma. Last evaluated: 2024-09-03. Review status: criteria provided, single submitter. Criteria: ACMG Guidelines, 2015. Collection method: clinical testing. Allele origin: germline. Inheritance: Autosomal dominant inheritance. Affected: yes.

Quest Diagnostics Nichols Institute San Juan Capistrano
Classification: Uncertain significance. Last evaluated: 2024-02-23. Review status: criteria provided, single submitter. Criteria: Quest Diagnostics criteria. Collection method: clinical testing. Allele origin: unknown.
Comment: The CDH1 c.2104G>C (p.Glu702Gln) variant has not been reported in individuals with CDH1-related conditions in the published literature. The frequency of this variant in the general population, 0.000087 (1/11496 chromosomes (Genome Aggregation Database)), is uninformative in the assessment of its pathogenicity. Analysis of this variant using bioinformatics tools for the prediction of the effect of amino acid changes on protein structure and function yielded predictions that this variant is benign. Based on the available information, we are unable to determine the clinical significance of this variant.

Sema4
Classification: Uncertain significance for Hereditary cancer-predisposing syndrome. Last evaluated: 2022-02-11. Review status: criteria provided, single submitter. Criteria: Sema4 Curation Guidelines. Collection method: curation. Allele origin: germline.
Comment: To the best of our knowledge, the CDH1 c.2104G>C (p.E702Q) variant has not been reported in individuals with CDH1-related disease. This variant was observed in 1/113660 chromosomes in the Non-Finnish European subpopulation according to the Genome Aggregation Database (PMID: 32461654) and has been reported in ClinVar (Variation ID: 423256). In silico tools suggest the impact of the variant on protein function is benign, though these predictions have not been confirmed by functional studies. The evidence is insufficient to meet ACMG/AMP criteria for classifying the variant as benign or pathogenic. Thus, the clinical significance of this variant is currently uncertain.

Color Diagnostics, LLC DBA Color Health
Classification: Uncertain significance for Hereditary cancer-predisposing syndrome. Last evaluated: 2019-10-10. Review status: criteria provided, single submitter. Criteria: ACMG Guidelines, 2015. Collection method: clinical testing. Allele origin: germline.
Comment: This missense variant replaces glutamic acid with glutamine at codon 702 of the CDH1 protein. Computational prediction tool suggests that this variant may not impact protein structure and function (internally defined REVEL score threshold ≤0.5, PMID: 27666373). Splice site prediction tools suggest that this variant may not impact RNA splicing. To our knowledge, functional studies have not been performed for this variant. This variant has not been reported in individuals affected with hereditary cancer in the literature. This variant has been identified in 1/251084 chromosomes in the general population by the Genome Aggregation Database (gnomAD). The available evidence is insufficient to determine the role of this variant in disease conclusively. Therefore, this variant is classified as a Variant of Uncertain Significance.

GeneDx
Classification: Uncertain significance. Last evaluated: 2017-01-27. Review status: criteria provided, single submitter. Criteria: GeneDx Variant Classification (06012015). Collection method: clinical testing. Allele origin: germline. Affected: yes.
Comment: This variant is denoted CDH1 c.2104G>C at the cDNA level, p.Glu702Gln (E702Q) at the protein level, and results in the change of a Glutamic Acid to a Glutamine (GAA>CAA). This variant has not, to our knowledge, been published in the literature as pathogenic or benign. CDH1 Glu702Gln was not observed in approximately 6,500 individuals of European and African American ancestry in the NHLBI Exome Sequencing Project, suggesting it is not a common benign variant in these populations. Since Glutamic Acid and Glutamine differ in some properties, this is considered a semi-conservative amino acid substitution. CDH1 Glu702Gln occurs at a position that is not conserved and is located in the extracellular domain (Brooks-Wilson 2004, Figueiredo 2013). In silico analyses predict that this variant is unlikely to alter protein structure or function. Based on currently available evidence, it is unclear whether CDH1 Glu702Gln is a pathogenic or benign variant. We consider it to be a variant of uncertain significance.

Literature cited by the submitters: PubMed 28944238 (cited by Quest Diagnostics Nichols Institute San Juan Capistrano).

NM_004360.5(CDH1):c.2104G>C (p.Glu702Gln)

Gene: CDH1 (cadherin 1; plus strand). Cytogenetic location: 16q22.1.
Variant type: single nucleotide variant.
Coding change: c.2104G>C on transcript NM_004360.5 (MANE Select); coding-DNA position 2104, G replaced by C.
Protein change: p.Glu702Gln; replaces glutamic acid 702 with glutamine.
Molecular consequence: missense variant.
Genome position (GRCh38, 1-based): chr16:68,823,566, G>C. VCF-style: chr16-68823566-G-C. GRCh37 (hg19) VCF-style: chr16-68857469-G-C.
Other names: c.2104G>C (LRG_301t1); c.1921G>C, p.Glu641Gln (NM_001317184.2); c.556G>C, p.Glu186Gln (NM_001317185.2); c.139G>C, p.Glu47Gln (NM_001317186.2); short protein forms E702Q, E47Q, E186Q, E641Q.
Identifiers: ClinVar variation 423256 (VCV000423256.20), dbSNP rs149127230, ClinGen allele CA16620257.